The following is an entry in ClinVar:

ClinVar aggregate classification (germline): Uncertain significance (1 of 4 stars; one submission).

Allele frequency attached by ClinVar (database versions not stated): gnomAD exomes below 0.00001; ExAC 0.00001.
gnomAD v4.1: 3 of 1,610,282 alleles (0.00019%); highest among the groups gnomAD compares: Non-Finnish European, 0.000085%; no homozygotes.

Submission:

CeGaT Center for Human Genetics Tuebingen
Classification: Uncertain significance. Last evaluated: 2022-03-01. Review status: criteria provided, single submitter. Criteria: CeGaT Center For Human Genetics Tuebingen Variant Classification Criteria Version 2. Collection method: clinical testing. Allele origin: germline. Affected: yes. Observed: 2 variant alleles.
Comment: GAN: PM2, PP3

NM_022041.4(GAN):c.302C>A (p.Thr101Lys)

Gene: GAN (gigaxonin; plus strand). Cytogenetic location: 16q23.2.
Variant type: single nucleotide variant.
Coding change: c.302C>A on transcript NM_022041.4 (MANE Select); coding-DNA position 302, C replaced by A.
Protein change: p.Thr101Lys; replaces threonine 101 with lysine.
Molecular consequence: missense variant. On other transcripts: 5 prime UTR variant (1).
Genome position (GRCh38, 1-based): chr16:81,354,424, C>A. VCF-style: chr16-81354424-C-A. GRCh37 (hg19) VCF-style: chr16-81388029-C-A.
Other names: c.-338C>A (NM_001377486.1); short protein forms T101K.
Identifiers: ClinVar variation 1335221 (VCV001335221.35), dbSNP rs769446654, ClinGen allele CA8191341.